The following is an entry in ClinVar:

ClinVar aggregate classification (germline): Likely pathogenic (1 of 4 stars; one submission).

Submission:

Labcorp Genetics (formerly Invitae), Labcorp
Classification: Likely pathogenic. Last evaluated: 2021-09-24. Review status: criteria provided, single submitter. Criteria: Invitae Variant Classification Sherloc (09022015). Collection method: clinical testing. Allele origin: germline.
Comment: In summary, the currently available evidence indicates that the variant is pathogenic, but additional data are needed to prove that conclusively. Therefore, this variant has been classified as Likely Pathogenic. Algorithms developed to predict the effect of sequence changes on RNA splicing suggest that this variant may disrupt the consensus splice site. Disruption of this splice site has been observed in individual(s) with clinical features of Stickler syndrome (PMID: 15286167). This variant is not present in population databases (ExAC no frequency). This sequence change affects a donor splice site in intron 52 of the COL11A1 gene. It is expected to disrupt RNA splicing. Variants that disrupt the donor or acceptor splice site typically lead to a loss of protein function (PMID: 16199547), and loss-of-function variants in COL11A1 are known to be pathogenic (PMID: 20513134, 21035103, 23922384, 25240749, 32427345, 32756486).

Literature cited by the submitters: PubMed 15286167; PubMed 16199547; PubMed 20513134; PubMed 21035103; PubMed 23922384; PubMed 25240749; PubMed 32427345; PubMed 32756486.

NM_001854.4(COL11A1):c.3978+1G>C

Gene: COL11A1 (collagen type XI alpha 1 chain; minus strand). Cytogenetic location: 1p21.1.
Variant type: single nucleotide variant.
Coding change: c.3978+1G>C on transcript NM_001854.4 (MANE Select); the canonical splice donor site of the intron after coding-DNA position 3978, G replaced by C.
Molecular consequence: splice donor variant.
Genome position (GRCh38, 1-based): chr1:102,914,351, C>G on the plus strand (G>C on the coding strand, the complement: COL11A1 is on the minus strand). VCF-style: chr1-102914351-C-G. GRCh37 (hg19) VCF-style: chr1-103379907-C-G.
Other names: c.3861+1G>C (NM_001190709.2); c.4014+1G>C (NM_080629.3); c.3630+1G>C (NM_080630.4).
Identifiers: ClinVar variation 1505868 (VCV001505868.6), dbSNP rs1570712889, ClinGen allele CA341160710.